The following is an entry in ClinVar:

NM_002830.4(PTPN4):c.191T>G (p.Leu64Trp)

Gene: PTPN4 (protein tyrosine phosphatase non-receptor type 4; plus strand). Cytogenetic location: 2q14.2.
Variant type: single nucleotide variant.
Coding change: c.191T>G on transcript NM_002830.4 (MANE Select); coding-DNA position 191, T replaced by G.
Protein change: p.Leu64Trp; replaces leucine 64 with tryptophan.
Molecular consequence: missense variant.
Genome position (GRCh38, 1-based): chr2:119,862,588, T>G. VCF-style: chr2-119862588-T-G. GRCh37 (hg19) VCF-style: chr2-120620164-T-G.
Other names: short protein forms L64W.
Identifiers: ClinVar variation 986785 (VCV000986785.1), dbSNP rs1677776998, ClinGen allele CA348185321.

ClinVar aggregate classification (germline): Uncertain significance (1 of 4 stars; one submission).

Submission:

GeneDx
Classification: Uncertain significance. Last evaluated: 2020-11-04. Review status: criteria provided, single submitter. Criteria: GeneDx Variant Classification (06012015). Collection method: clinical testing. Allele origin: germline. Affected: yes.